The following is an entry in ClinVar:

NM_000487.6(ARSA):c.1445G>A (p.Gly482Asp)

Gene: ARSA (arylsulfatase A; minus strand). Cytogenetic location: 22q13.33.
Variant type: single nucleotide variant.
Coding change: c.1445G>A on transcript NM_000487.6 (MANE Select); coding-DNA position 1445, G replaced by A.
Protein change: p.Gly482Asp; replaces glycine 482 with aspartic acid.
Molecular consequence: missense variant.
Genome position (GRCh38, 1-based): chr22:50,625,230, C>T on the plus strand (G>A on the coding strand, the complement: ARSA is on the minus strand). VCF-style: chr22-50625230-C-T. GRCh37 (hg19) VCF-style: chr22-51063658-C-T.
Other names: c.1445G>A, p.Gly482Asp (NM_001085425.3, NM_001085426.3, NM_001085427.3); c.1187G>A, p.Gly396Asp (NM_001085428.3, NM_001362782.2); short protein forms G482D, G396D.
Identifiers: ClinVar variation 1393226 (VCV001393226.6), dbSNP rs745438306, ClinGen allele CA10324726.
Genomic context (GRCh38, chr22:50,625,230, plus strand): 5'-CAGCAAGCTGGGCGGGGGGTGCAGCCAGGATGACAGCAGATCTGCAGGGCGGGGTCCTCG[C>T]CCCGGGCCACCTGGCTGGGGCCGAAGGTCACAGCTGCGTCTAACTGGGCCTTGAGCAGCT-3'
Protein context (NP_000478.3, residues 472-492): VTFGPSQVAR[Gly482Asp]EDPALQICCH

ClinVar aggregate classification (germline): Uncertain significance (1 of 4 stars; one submission).

Conditions:
Metachromatic leukodystrophy (MLD). Also called: Arylsulfatase A Deficiency; SULFATIDE LIPIDOSIS; ARSA DEFICIENCY; CEREBROSIDE SULFATASE DEFICIENCY; METACHROMATIC LEUKOENCEPHALOPATHY; Cerebral sclerosis diffuse metachromatic form. Identifiers: Orphanet 512, MedGen C0023522, MONDO:0018868, OMIM 250100.

Allele frequency attached by ClinVar (database versions not stated): gnomAD exomes below 0.00001 and 0.00001; ExAC 0.00001; gnomAD 0.00001; TOPMed 0.00001.
gnomAD v4.1: 3 of 1,610,022 alleles (0.00019%); highest among the groups gnomAD compares: Admixed American, 0.0017%; no homozygotes.

Submission:

Labcorp Genetics (formerly Invitae), Labcorp
Classification: Uncertain significance for Metachromatic leukodystrophy. Last evaluated: 2022-08-14. Review status: criteria provided, single submitter. Criteria: Invitae Variant Classification Sherloc (09022015). Collection method: clinical testing. Allele origin: germline.
Comment: This sequence change replaces glycine, which is neutral and non-polar, with aspartic acid, which is acidic and polar, at codon 482 of the ARSA protein (p.Gly482Asp). This variant is present in population databases (rs745438306, gnomAD 0.007%). This variant has not been reported in the literature in individuals affected with ARSA-related conditions. ClinVar contains an entry for this variant (Variation ID: 1393226). Advanced modeling of protein sequence and biophysical properties (such as structural, functional, and spatial information, amino acid conservation, physicochemical variation, residue mobility, and thermodynamic stability) performed at Invitae indicates that this missense variant is expected to disrupt ARSA protein function. In summary, the available evidence is currently insufficient to determine the role of this variant in disease. Therefore, it has been classified as a Variant of Uncertain Significance.